The following is an entry in ClinVar:

ClinVar aggregate classification (germline): Uncertain significance (1 of 4 stars; one submission).

Conditions:
Long QT syndrome (LQTS). Identifiers: MedGen C0023976, MeSH D008133, MONDO:0002442. Disease mechanism: loss of function. Inheritance: Various modes of inheritance.

Submission:

Labcorp Genetics (formerly Invitae), Labcorp
Classification: Uncertain significance for Long QT syndrome. Last evaluated: 2024-02-29. Review status: criteria provided, single submitter. Criteria: Invitae Variant Classification Sherloc (09022015). Collection method: clinical testing. Allele origin: germline.
Comment: This sequence change replaces arginine, which is basic and polar, with tryptophan, which is neutral and slightly polar, at codon 114 of the CACNA1C protein (p.Arg114Trp). This variant is present in population databases (rs758229132, gnomAD 0.004%). This variant has not been reported in the literature in individuals affected with CACNA1C-related conditions. Advanced modeling of protein sequence and biophysical properties (such as structural, functional, and spatial information, amino acid conservation, physicochemical variation, residue mobility, and thermodynamic stability) performed at Invitae indicates that this missense variant is expected to disrupt CACNA1C protein function with a positive predictive value of 95%. In summary, the available evidence is currently insufficient to determine the role of this variant in disease. Therefore, it has been classified as a Variant of Uncertain Significance.

NM_000719.7(CACNA1C):c.340C>T (p.Arg114Trp)

Gene: CACNA1C (calcium voltage-gated channel subunit alpha1 C; plus strand). Cytogenetic location: 12p13.33.
Variant type: single nucleotide variant.
Coding change: c.340C>T on transcript NM_000719.7 (MANE Select); coding-DNA position 340, C replaced by T.
Protein change: p.Arg114Trp; replaces arginine 114 with tryptophan.
Molecular consequence: missense variant.
Genome position (GRCh38, 1-based): chr12:2,115,514, C>T. VCF-style: chr12-2115514-C-T. GRCh37 (hg19) VCF-style: chr12-2224680-C-T.
Other names: c.340C>T, p.Arg114Trp (NM_001129827.2, NM_001129829.2, NM_001129830.3 and 19 more transcripts); short protein forms R114W.
Identifiers: ClinVar variation 3712640 (VCV003712640.2).
Genomic context (GRCh38, chr12:2,115,514, plus strand): 5'-AGCACCACGGCCACACGCCCGCCCCGAGCCCTGCTCTGCCTGACCCTGAAGAACCCCATC[C>T]GGAGGGCCTGCATCAGCATTGTCGAATGGAAATATCCTTTGTTCACCGGGCTGGGCATGC-3'
Protein context (NP_000710.5, residues 104-124): LLCLTLKNPI[Arg114Trp]RACISIVEWK